The following is an entry in ClinVar:

NM_002299.4(LCT):c.*325G>C

Gene: LCT (lactase; minus strand). Cytogenetic location: 2q21.3.
Variant type: single nucleotide variant.
Coding change: c.*325G>C on transcript NM_002299.4 (MANE Select); 325 bases downstream of the stop codon, G replaced by C.
Molecular consequence: 3 prime UTR variant.
Genome position (GRCh38, 1-based): chr2:135,787,999, C>G on the plus strand (G>C on the coding strand, the complement: LCT is on the minus strand). VCF-style: chr2-135787999-C-G. GRCh37 (hg19) VCF-style: chr2-136545569-C-G.
Other names: c.*325G>C (LRG_338t1).
Identifiers: ClinVar variation 331156 (VCV000331156.6), dbSNP rs62170085, ClinGen allele CA10611181.

ClinVar aggregate classification (germline): Benign (1 of 4 stars; one submission).

Conditions:
Congenital lactase deficiency. Also called: ALACTASIA, CONGENITAL; DISACCHARIDE INTOLERANCE II. Identifiers: Orphanet 53690, MedGen C0268179, MONDO:0009115, OMIM 223000.

Allele frequency attached by ClinVar (database versions not stated): TOPMed 0.01211; gnomAD 0.01267 and 0.01354; 1000 Genomes Project 0.01677; 1000 Genomes Project 30x 0.01686; gnomAD exomes 0.01721.
gnomAD v4.1: 5,702 of 364,086 alleles (1.6%); highest among the groups gnomAD compares: South Asian, 3.1%; 79 homozygotes.

Submission:

Illumina Laboratory Services, Illumina
Classification: Benign for Congenital lactase deficiency. Last evaluated: 2018-01-13. Review status: criteria provided, single submitter. Criteria: ICSL Variant Classification Criteria 13 December 2019. Collection method: clinical testing. Allele origin: germline.
Comment: This variant was observed in the ICSL laboratory as part of a predisposition screen in an ostensibly healthy population. It had not been previously curated by ICSL or reported in the Human Gene Mutation Database (HGMD: prior to June 1st, 2018), and was therefore a candidate for classification through an automated scoring system. Utilizing variant allele frequency, disease prevalence and penetrance estimates, and inheritance mode, an automated score was calculated to assess if this variant is too frequent to cause the disease. Based on the score and internal cut-off values, a variant classified as benign is not then subjected to further curation. The score for this variant resulted in a classification of benign for this disease.